The following is an entry in ClinVar:

ClinVar aggregate classification (germline): Uncertain significance (1 of 4 stars; one submission).

Conditions:
Brachyolmia-amelogenesis imperfecta syndrome. Also called: Tooth agenesis, selective, 6; Dental anomalies and short stature; PLATYSPONDYLY WITH AMELOGENESIS IMPERFECTA. Identifiers: Orphanet 2899, MedGen C1832594, MONDO:0011018, OMIM 601216. Disease mechanism: loss of function.

Allele frequency attached by ClinVar (database versions not stated): gnomAD exomes below 0.00001; ExAC 0.00001.

Submission:

Labcorp Genetics (formerly Invitae), Labcorp
Classification: Uncertain significance for Brachyolmia-amelogenesis imperfecta syndrome. Last evaluated: 2021-10-16. Review status: criteria provided, single submitter. Criteria: Invitae Variant Classification Sherloc (09022015). Collection method: clinical testing. Allele origin: germline.
Comment: In summary, the available evidence is currently insufficient to determine the role of this variant in disease. Therefore, it has been classified as a Variant of Uncertain Significance. Algorithms developed to predict the effect of missense changes on protein structure and function are either unavailable or do not agree on the potential impact of this missense change (SIFT: "Tolerated"; PolyPhen-2: "Possibly Damaging"; Align-GVGD: "Class C0"). This variant has not been reported in the literature in individuals affected with LTBP3-related conditions. The frequency data for this variant in the population databases is considered unreliable, as metrics indicate poor data quality at this position in the ExAC database. This sequence change replaces glutamic acid with glutamine at codon 719 of the LTBP3 protein (p.Glu719Gln). The glutamic acid residue is moderately conserved and there is a small physicochemical difference between glutamic acid and glutamine.

NM_001130144.3(LTBP3):c.2155G>C (p.Glu719Gln)

Genes: LTBP3 (latent transforming growth factor beta binding protein 3; minus strand), LOC130006030 (ATAC-STARR-seq lymphoblastoid silent region 3533; plus strand). Cytogenetic location: 11q13.1.
Variant type: single nucleotide variant.
Coding change: c.2155G>C on transcript NM_001130144.3 (MANE Select); coding-DNA position 2155, G replaced by C.
Protein change: p.Glu719Gln; replaces glutamic acid 719 with glutamine.
Molecular consequence: missense variant.
Genome position (GRCh38, 1-based): chr11:65,546,873, C>G on the plus strand (G>C on the coding strand, the complement: LTBP3 is on the minus strand). VCF-style: chr11-65546873-C-G. GRCh37 (hg19) VCF-style: chr11-65314344-C-G.
Other names: c.1804G>C, p.Glu602Gln (NM_001164266.1); c.2155G>C, p.Glu719Gln (NM_021070.4); short protein forms E602Q, E719Q.
Identifiers: ClinVar variation 1355427 (VCV001355427.6), dbSNP rs772542139, ClinGen allele CA6100724.